The following is an entry in ClinVar:

ClinVar aggregate classification (germline): Conflicting classifications of pathogenicity. Review status: criteria provided, conflicting classifications (1 of 4 stars). 2 submissions from 2 submitters: Uncertain significance (1); Likely benign (1). Last evaluated 2024-12-10.

Conditions:
Congenital myasthenic syndrome 8. Also called: MYASTHENIC SYNDROME, CONGENITAL, DUE TO AGRIN DEFICIENCY; Myasthenic syndrome, congenital, 8, with pre- and postsynaptic defects. Identifiers: Orphanet 590, MedGen C3808739, MONDO:0014052, OMIM 615120.
Inborn genetic diseases. Identifiers: MedGen C0950123, MeSH D030342.

Allele frequency attached by ClinVar (database versions not stated): TOPMed 0.00002; gnomAD exomes 0.00001; gnomAD 0.00002.
gnomAD v4.1: 11 of 1,568,250 alleles (0.0007%); highest among the groups gnomAD compares: Admixed American, 0.0018%; no homozygotes.

Submissions (2):

Ambry Genetics
Classification: Likely benign for Inborn genetic diseases. Last evaluated: 2024-12-10. Review status: criteria provided, single submitter. Criteria: Ambry Variant Classification Scheme 2023. Collection method: clinical testing. Allele origin: germline.

Labcorp Genetics (formerly Invitae), Labcorp
Classification: Uncertain significance for Congenital myasthenic syndrome 8. Last evaluated: 2022-07-11. Review status: criteria provided, single submitter. Criteria: Invitae Variant Classification Sherloc (09022015). Collection method: clinical testing. Allele origin: germline.
Comment: In summary, the available evidence is currently insufficient to determine the role of this variant in disease. Therefore, it has been classified as a Variant of Uncertain Significance. Algorithms developed to predict the effect of sequence changes on RNA splicing suggest that this variant may create or strengthen a splice site. Algorithms developed to predict the effect of missense changes on protein structure and function output the following: SIFT: "Tolerated"; PolyPhen-2: "Benign"; Align-GVGD: "Class C0". The glutamine amino acid residue is found in multiple mammalian species, which suggests that this missense change does not adversely affect protein function. ClinVar contains an entry for this variant (Variation ID: 955234). This variant has not been reported in the literature in individuals affected with AGRN-related conditions. The frequency data for this variant in the population databases is considered unreliable, as metrics indicate poor data quality at this position in the gnomAD database. This sequence change replaces arginine, which is basic and polar, with glutamine, which is neutral and polar, at codon 1820 of the AGRN protein (p.Arg1820Gln).

NM_198576.4(AGRN):c.5459G>A (p.Arg1820Gln)

Gene: AGRN (agrin; plus strand). Cytogenetic location: 1p36.33.
Variant type: single nucleotide variant.
Coding change: c.5459G>A on transcript NM_198576.4 (MANE Select); coding-DNA position 5459, G replaced by A.
Protein change: p.Arg1820Gln; replaces arginine 1820 with glutamine.
Molecular consequence: missense variant.
Genome position (GRCh38, 1-based): chr1:1,051,541, G>A. VCF-style: chr1-1051541-G-A. GRCh37 (hg19) VCF-style: chr1-986921-G-A.
Other names: c.5471G>A, p.Arg1824Gln (NM_001305275.2); c.5156G>A, p.Arg1719Gln (NM_001364727.2); short protein forms R1719Q, R1820Q, R1824Q.
Identifiers: ClinVar variation 955234 (VCV000955234.10), dbSNP rs1170138989, ClinGen allele CA337781629.